The following is an entry in ClinVar:

NM_001378687.1(ATP2C1):c.2246T>C (p.Leu749Pro)

Gene: ATP2C1 (ATPase secretory pathway Ca2+ transporting 1; plus strand). Cytogenetic location: 3q22.1.
Variant type: single nucleotide variant.
Coding change: c.2246T>C on transcript NM_001378687.1 (MANE Select); coding-DNA position 2246, T replaced by C.
Protein change: p.Leu749Pro; replaces leucine 749 with proline.
Molecular consequence: missense variant.
Genome position (GRCh38, 1-based): chr3:130,997,608, T>C. VCF-style: chr3-130997608-T-C. GRCh37 (hg19) VCF-style: chr3-130716452-T-C.
Other names: c.2246T>C, p.Leu749Pro (NM_001001485.3, NM_001001486.2, NM_001001487.2 and 5 more transcripts); c.2348T>C, p.Leu783Pro (NM_001199180.2, NM_001199181.3, NM_001378511.1); c.2231T>C, p.Leu744Pro (NM_001199182.2); c.2198T>C, p.Leu733Pro (NM_001199183.2, NM_001199184.3, NM_001378514.1); short protein forms L733P, L749P, L744P, L783P.
Identifiers: ClinVar variation 3721582 (VCV003721582.2).
Genomic context (GRCh38, chr3:130,997,608, plus strand): 5'-AGTAACAAATCCAGACCTTAAAACTTGAAAGTAATTTATTTTTCTGTTTGTTTTTAAGCC[T>C]TGGAGTAGAACCAGTGGATAAAGATGTCATTCGTAAACCTCCTCGCAACTGGAAAGACAG-3'
Protein context (NP_001365616.1, residues 739-759): IIMDGPPAQS[Leu749Pro]GVEPVDKDVI

ClinVar aggregate classification (germline): Uncertain significance (1 of 4 stars; one submission).

Submission:

Labcorp Genetics (formerly Invitae), Labcorp
Classification: Uncertain significance. Last evaluated: 2024-10-08. Review status: criteria provided, single submitter. Criteria: Invitae Variant Classification Sherloc (09022015). Collection method: clinical testing. Allele origin: germline.
Comment: This sequence change replaces leucine, which is neutral and non-polar, with proline, which is neutral and non-polar, at codon 749 of the ATP2C1 protein (p.Leu749Pro). This variant is not present in population databases (gnomAD no frequency). This variant has not been reported in the literature in individuals affected with ATP2C1-related conditions. An algorithm developed to predict the effect of missense changes on protein structure and function (PolyPhen-2) suggests that this variant is likely to be disruptive. In summary, the available evidence is currently insufficient to determine the role of this variant in disease. Therefore, it has been classified as a Variant of Uncertain Significance.